The following is an entry in ClinVar:

NM_001182.5(ALDH7A1):c.192+5G>A

Gene: ALDH7A1 (aldehyde dehydrogenase 7 family member A1; minus strand). Cytogenetic location: 5q23.2.
Variant type: single nucleotide variant.
Coding change: c.192+5G>A on transcript NM_001182.5 (MANE Select); 5 bases into the intron after coding-DNA position 192, G replaced by A.
Molecular consequence: intron variant.
Genome position (GRCh38, 1-based): chr5:126,595,002, C>T on the plus strand (G>A on the coding strand, the complement: ALDH7A1 is on the minus strand). VCF-style: chr5-126595002-C-T. GRCh37 (hg19) VCF-style: chr5-125930694-C-T.
Other names: c.192+5G>A (NM_001202404.2); c.108+5G>A (NM_001201377.2).
Identifiers: ClinVar variation 1504824 (VCV001504824.6), dbSNP rs2112819871, ClinGen allele CA2573138864.

ClinVar aggregate classification (germline): Uncertain significance (1 of 4 stars; one submission).

Conditions:
Pyridoxine-dependent epilepsy (EPEO4). Also called: Pyridoxine-Dependent Seizures; Pyridoxine-Dependent Epilepsy - ALDH7A1; PYRIDOXINE DEPENDENCY WITH SEIZURES; EPILEPSY, EARLY-ONSET, 4, VITAMIN B6-DEPENDENT. Identifiers: Orphanet 3006, MedGen C1849508, MONDO:0009945, OMIM 266100. Disease mechanism: loss of function.

Submission:

Labcorp Genetics (formerly Invitae), Labcorp
Classification: Uncertain significance for Pyridoxine-dependent epilepsy. Last evaluated: 2021-07-21. Review status: criteria provided, single submitter. Criteria: Invitae Variant Classification Sherloc (09022015). Collection method: clinical testing. Allele origin: germline.
Comment: In summary, the available evidence is currently insufficient to determine the role of this variant in disease. Therefore, it has been classified as a Variant of Uncertain Significance. Nucleotide substitutions within the consensus splice site are a relatively common cause of aberrant splicing (PMID: 17576681, 9536098). Algorithms developed to predict the effect of sequence changes on RNA splicing suggest that this variant may disrupt the consensus splice site. This variant has not been reported in the literature in individuals affected with ALDH7A1-related conditions. This variant is not present in population databases (ExAC no frequency). This sequence change falls in intron 1 of the ALDH7A1 gene. It does not directly change the encoded amino acid sequence of the ALDH7A1 protein. It affects a nucleotide within the consensus splice site of the intron.

Literature cited by the submitters: PubMed 17576681; PubMed 9536098.